The following is an entry in ClinVar:

ClinVar aggregate classification (germline): Uncertain significance (1 of 4 stars; one submission).

Conditions:
EP300-related disorder. Also called: EP300-related condition; EP300-related disorders.

Submission:

PreventionGenetics, part of Exact Sciences
Classification: Uncertain significance for EP300-related condition. Last evaluated: 2025-01-13. Review status: criteria provided, single submitter. Criteria: ACMG Guidelines, 2015. Collection method: clinical testing. Allele origin: germline.
Comment: The EP300 c.3521C>T variant is predicted to result in the amino acid substitution p.Thr1174Ile. To our knowledge, this variant has not been reported in the literature or in a large population database (gnomAD), indicating this variant is rare. At this time, the clinical significance of this variant is uncertain due to the absence of conclusive functional and genetic evidence.

NM_001429.4(EP300):c.3521C>T (p.Thr1174Ile)

Gene: EP300 (EP300 lysine acetyltransferase; plus strand). Cytogenetic location: 22q13.2.
Variant type: single nucleotide variant.
Coding change: c.3521C>T on transcript NM_001429.4 (MANE Select); coding-DNA position 3521, C replaced by T.
Protein change: p.Thr1174Ile; replaces threonine 1174 with isoleucine.
Molecular consequence: missense variant.
Genome position (GRCh38, 1-based): chr22:41,158,431, C>T. VCF-style: chr22-41158431-C-T. GRCh37 (hg19) VCF-style: chr22-41554435-C-T.
Other names: c.3443C>T, p.Thr1148Ile (NM_001362843.2); short protein forms T1174I, T1148I.
Identifiers: ClinVar variation 5001069 (VCV005001069.1).